The following is an entry in ClinVar:

NM_000393.5(COL5A2):c.3667C>G (p.Pro1223Ala)

Gene: COL5A2 (collagen type V alpha 2 chain; minus strand). Cytogenetic location: 2q32.2.
Variant type: single nucleotide variant.
Coding change: c.3667C>G on transcript NM_000393.5 (MANE Select); coding-DNA position 3667, C replaced by G.
Protein change: p.Pro1223Ala; replaces proline 1223 with alanine.
Molecular consequence: missense variant.
Genome position (GRCh38, 1-based): chr2:189,039,530, G>C on the plus strand (C>G on the coding strand, the complement: COL5A2 is on the minus strand). VCF-style: chr2-189039530-G-C. GRCh37 (hg19) VCF-style: chr2-189904256-G-C.
Other names: short protein forms P1223A.
Identifiers: ClinVar variation 3268763 (VCV003268763.1).
Genomic context (GRCh38, chr2:189,039,530, plus strand): 5'-TTTCATCATAGTGCCCCATGATATCCCCAAGAGCAGCTGTAAGGTGGCCAGGGGGACCCG[G>C]AGGGCCAGGTGGGCCAGGCTCACCAGGAGGGCCCTAATTAAAAAGAGATTGGAAAGACAT-3'
Protein context (NP_000384.2, residues 1213-1233): PPGEPGPPGP[Pro1223Ala]GPPGHLTAAL

ClinVar aggregate classification (germline): Uncertain significance (1 of 4 stars; one submission).

Conditions:
Familial thoracic aortic aneurysm and aortic dissection (TAAD). Also called: Thoracic aortic aneurysms and dissections. Identifiers: Orphanet 91387, MedGen C4707243, MONDO:0019625.

Submission:

Ambry Genetics
Classification: Uncertain significance for Familial thoracic aortic aneurysm and aortic dissection. Last evaluated: 2024-03-30. Review status: criteria provided, single submitter. Criteria: Ambry Variant Classification Scheme 2023. Collection method: clinical testing. Allele origin: germline.
Comment: The p.P1223A variant (also known as c.3667C>G), located in coding exon 51 of the COL5A2 gene, results from a C to G substitution at nucleotide position 3667. The proline at codon 1223 is replaced by alanine, an amino acid with highly similar properties. This amino acid position is highly conserved in available vertebrate species. In addition, the in silico prediction for this alteration is inconclusive. Based on the available evidence, the clinical significance of this alteration remains unclear.